The following is an entry in ClinVar:

ClinVar aggregate classification (germline): Uncertain significance. Review status: criteria provided, multiple submitters, no conflicts (2 of 4 stars). 3 submissions from 3 submitters: Uncertain significance (3). Last evaluated 2025-12-28.

Conditions:
Hereditary cancer-predisposing syndrome. Also called: Neoplastic Syndromes, Hereditary; Hereditary neoplastic syndrome; Tumor predisposition; Hereditary Cancer Syndrome. Identifiers: Orphanet 140162, MedGen C0027672, MeSH D009386, MONDO:0015356.
Fanconi anemia complementation group O. Also called: RAD51C-Related Fanconi Anemia. Identifiers: Orphanet 84, MedGen C3150653, MONDO:0013248, OMIM 613390.

Submissions (3):

Labcorp Genetics (formerly Invitae), Labcorp
Classification: Uncertain significance for Fanconi anemia complementation group O. Last evaluated: 2025-12-28. Review status: criteria provided, single submitter. Criteria: Invitae Variant Classification Sherloc (09022015). Collection method: clinical testing. Allele origin: germline.
Comment: This sequence change replaces valine, which is neutral and non-polar, with leucine, which is neutral and non-polar, at codon 25 of the RAD51C protein (p.Val25Leu). This variant is not present in population databases (gnomAD no frequency). This variant has not been reported in the literature in individuals affected with RAD51C-related conditions. ClinVar contains an entry for this variant (Variation ID: 835764). Invitae Evidence Modeling of protein sequence and biophysical properties (such as structural, functional, and spatial information, amino acid conservation, physicochemical variation, residue mobility, and thermodynamic stability) indicates that this missense variant is not expected to disrupt RAD51C protein function with a negative predictive value of 80%. In summary, the available evidence is currently insufficient to determine the role of this variant in disease. Therefore, it has been classified as a Variant of Uncertain Significance.

Ambry Genetics
Classification: Uncertain significance for Hereditary cancer-predisposing syndrome. Last evaluated: 2023-12-14. Review status: criteria provided, single submitter. Criteria: Ambry Variant Classification Scheme 2023. Collection method: clinical testing. Allele origin: germline.

GeneDx
Classification: Uncertain significance. Last evaluated: 2019-05-21. Review status: criteria provided, single submitter. Criteria: GeneDx Variant Classification Process June 2021. Collection method: clinical testing. Allele origin: germline. Affected: yes.
Comment: Not observed in large population cohorts (Lek et al., 2016); In silico analysis, which includes protein predictors and evolutionary conservation, supports that this variant does not alter protein structure/function; Has not been previously published as pathogenic or benign to our knowledge

NM_058216.3(RAD51C):c.73G>T (p.Val25Leu)

Gene: RAD51C (RAD51 paralog C; plus strand). Cytogenetic location: 17q22.
Variant type: single nucleotide variant.
Coding change: c.73G>T on transcript NM_058216.3 (MANE Select); coding-DNA position 73, G replaced by T.
Protein change: p.Val25Leu; replaces valine 25 with leucine.
Molecular consequence: missense variant. On other transcripts: non-coding transcript variant (1).
Genome position (GRCh38, 1-based): chr17:58,692,716, G>T. VCF-style: chr17-58692716-G-T. GRCh37 (hg19) VCF-style: chr17-56770077-G-T.
Other names: c.73G>T, p.Val25Leu (NM_002876.4); short protein forms V25L.
Identifiers: ClinVar variation 835764 (VCV000835764.12), dbSNP rs757116652, ClinGen allele CA400336967.